The following is an entry in ClinVar:

NM_001330288.2(SMARCC2):c.1158A>G (p.Glu386=)

Gene: SMARCC2 (SWI/SNF related BAF chromatin remodeling complex subunit C2; minus strand). Cytogenetic location: 12q13.2.
Variant type: single nucleotide variant.
Coding change: c.1158A>G on transcript NM_001330288.2 (MANE Select); coding-DNA position 1158, A replaced by G.
Protein change: p.Glu386=; no amino-acid change (glutamic acid 386 retained).
Molecular consequence: synonymous variant.
Genome position (GRCh38, 1-based): chr12:56,178,831, T>C on the plus strand (A>G on the coding strand, the complement: SMARCC2 is on the minus strand). VCF-style: chr12-56178831-T-C. GRCh37 (hg19) VCF-style: chr12-56572615-T-C.
Other names: c.1158A>G, p.Glu386= (NM_001130420.3, NM_003075.5, NM_139067.4).
Identifiers: ClinVar variation 1336447 (VCV001336447.29), dbSNP rs34308410, ClinGen allele CA6626136.

ClinVar aggregate classification (germline): Benign/Likely benign. Review status: criteria provided, multiple submitters, no conflicts (2 of 4 stars). 3 submissions from 3 submitters: Benign (1); Likely benign (2). Last evaluated 2024-11-04.

Allele frequency attached by ClinVar (database versions not stated): 1000 Genomes Project 30x 0.00016; 1000 Genomes Project 0.00020; gnomAD exomes 0.00042 and 0.00086; ESP Exome Variant Server 0.00046; gnomAD 0.00047 and 0.00048; TOPMed 0.00056; ExAC 0.00064.

Submissions (3):

Blueprint Genetics
Classification: Likely benign. Last evaluated: 2024-11-04. Review status: criteria provided, single submitter. Criteria: ACMG Guidelines, 2015. Collection method: clinical testing. Allele origin: germline.

CeGaT Center for Human Genetics Tuebingen
Classification: Likely benign. Last evaluated: 2023-04-01. Review status: criteria provided, single submitter. Criteria: CeGaT Center For Human Genetics Tuebingen Variant Classification Criteria Version 2. Collection method: clinical testing. Allele origin: germline. Affected: yes. Observed: 2 variant alleles.
Comment: SMARCC2: BP4, BP7, BS1

Genetic Services Laboratory, University of Chicago
Classification: Benign. Last evaluated: 2021-03-19. Review status: criteria provided, single submitter. Criteria: ACMG Guidelines, 2015. Collection method: clinical testing. Allele origin: germline. Affected: no.